The following is an entry in ClinVar:

NM_000051.4(ATM):c.2140A>G (p.Thr714Ala)

Gene: ATM (ATM serine/threonine kinase; plus strand). Cytogenetic location: 11q22.3.
Variant type: single nucleotide variant.
Coding change: c.2140A>G on transcript NM_000051.4 (MANE Select); coding-DNA position 2140, A replaced by G.
Protein change: p.Thr714Ala; replaces threonine 714 with alanine.
Molecular consequence: missense variant.
Genome position (GRCh38, 1-based): chr11:108,256,230, A>G. VCF-style: chr11-108256230-A-G. GRCh37 (hg19) VCF-style: chr11-108126957-A-G.
Other names: c.2140A>G, p.Thr714Ala (NM_001351834.2); short protein forms T714A.
Identifiers: ClinVar variation 1026373 (VCV001026373.11), dbSNP rs2080473704, ClinGen allele CA382538688.
Genomic context (GRCh38, chr11:108,256,230, plus strand): 5'-ATTATTTATGAAATATATATATTTTTATTTGTGGTTTACTTTAAGATTACAAATTCAGAA[A>G]CTCTTGTCCGGTGTTCACGTCTTTTGGTGGGTGTCCTTGGCTGCTACTGTTACATGGGTG-3'
Protein context (NP_000042.3, residues 704-724): NYSSEITNSE[Thr714Ala]LVRCSRLLVG

ClinVar aggregate classification (germline): Uncertain significance. Review status: criteria provided, multiple submitters, no conflicts (2 of 4 stars). 2 submissions from 2 submitters: Uncertain significance (2). Last evaluated 2024-02-24.

Conditions:
Hereditary cancer-predisposing syndrome. Also called: Hereditary neoplastic syndrome; Neoplastic Syndromes, Hereditary; Tumor predisposition; Hereditary Cancer Syndrome. Identifiers: Orphanet 140162, MedGen C0027672, MeSH D009386, MONDO:0015356.
Ataxia-telangiectasia syndrome (AT). Also called: ATAXIA-TELANGIECTASIA, FRESNO VARIANT; Ataxia-telangiectasia, complementation group D; AT, COMPLEMENTATION GROUP C; Cerebello-oculocutaneous telangiectasia; Immunodeficiency with ataxia telangiectasia; Ataxia telangiectasia (A-T). Identifiers: Orphanet 100, MedGen C0004135, MONDO:0008840, OMIM 208900.

Allele frequency attached by ClinVar (database versions not stated): gnomAD exomes below 0.00001.
gnomAD v4.1: 1 of 1,604,820 alleles (0.000062%); highest among the groups gnomAD compares: East Asian, 0.0022%; no homozygotes.

Submissions (2):

Labcorp Genetics (formerly Invitae), Labcorp
Classification: Uncertain significance for Ataxia-telangiectasia syndrome. Last evaluated: 2024-02-24. Review status: criteria provided, single submitter. Criteria: Invitae Variant Classification Sherloc (09022015). Collection method: clinical testing. Allele origin: germline.
Comment: This sequence change replaces threonine, which is neutral and polar, with alanine, which is neutral and non-polar, at codon 714 of the ATM protein (p.Thr714Ala). This variant is not present in population databases (gnomAD no frequency). This variant has not been reported in the literature in individuals affected with ATM-related conditions. ClinVar contains an entry for this variant (Variation ID: 1026373). Algorithms developed to predict the effect of missense changes on protein structure and function output the following: SIFT: "Not Available"; PolyPhen-2: "Benign"; Align-GVGD: "Not Available". The alanine amino acid residue is found in multiple mammalian species, which suggests that this missense change does not adversely affect protein function. In summary, the available evidence is currently insufficient to determine the role of this variant in disease. Therefore, it has been classified as a Variant of Uncertain Significance.

Ambry Genetics
Classification: Uncertain significance for Hereditary cancer-predisposing syndrome. Last evaluated: 2022-03-16. Review status: criteria provided, single submitter. Criteria: Ambry Variant Classification Scheme 2023. Collection method: clinical testing. Allele origin: germline.
Comment: The p.T714A variant (also known as c.2140A>G), located in coding exon 13 of the ATM gene, results from an A to G substitution at nucleotide position 2140. The threonine at codon 714 is replaced by alanine, an amino acid with similar properties. This amino acid position is conserved. In addition, this alteration is predicted to be tolerated by in silico analysis. Since supporting evidence is limited at this time, the clinical significance of this alteration remains unclear.